The following is an entry in ClinVar:

NM_021072.4(HCN1):c.2261A>G (p.Gln754Arg)

Gene: HCN1 (hyperpolarization activated cyclic nucleotide gated potassium channel 1; minus strand). Cytogenetic location: 5p12.
Variant type: single nucleotide variant.
Coding change: c.2261A>G on transcript NM_021072.4 (MANE Select); coding-DNA position 2261, A replaced by G.
Protein change: p.Gln754Arg; replaces glutamine 754 with arginine.
Molecular consequence: missense variant.
Genome position (GRCh38, 1-based): chr5:45,262,333, T>C on the plus strand (A>G on the coding strand, the complement: HCN1 is on the minus strand). VCF-style: chr5-45262333-T-C. GRCh37 (hg19) VCF-style: chr5-45262435-T-C.
Other names: short protein forms Q754R.
Identifiers: ClinVar variation 1434210 (VCV001434210.9), dbSNP rs2111839088, ClinGen allele CA359703708.

ClinVar aggregate classification (germline): Uncertain significance (1 of 4 stars; one submission).

Conditions:
Early-infantile DEE. Also called: Ohtahara syndrome; Early infantile epileptic encephalopathy with suppression bursts; Early infantile epileptic encephalopathy. Identifiers: Orphanet 1934, MedGen C0393706, MONDO:0800491.

Submission:

Labcorp Genetics (formerly Invitae), Labcorp
Classification: Uncertain significance for Early-infantile DEE. Last evaluated: 2021-06-18. Review status: criteria provided, single submitter. Criteria: Invitae Variant Classification Sherloc (09022015). Collection method: clinical testing. Allele origin: germline.
Comment: In summary, the available evidence is currently insufficient to determine the role of this variant in disease. Therefore, it has been classified as a Variant of Uncertain Significance. Advanced modeling of protein sequence and biophysical properties (such as structural, functional, and spatial information, amino acid conservation, physicochemical variation, residue mobility, and thermodynamic stability) performed at Invitae indicates that this missense variant is not expected to disrupt HCN1 protein function. This variant has not been reported in the literature in individuals with HCN1-related conditions. This variant is not present in population databases (ExAC no frequency). This sequence change replaces glutamine with arginine at codon 754 of the HCN1 protein (p.Gln754Arg). The glutamine residue is moderately conserved and there is a small physicochemical difference between glutamine and arginine.